The following is an entry in ClinVar:

ClinVar aggregate classification (germline): Uncertain significance (1 of 4 stars; one submission).

Allele frequency attached by ClinVar (database versions not stated): gnomAD exomes below 0.00001; gnomAD 0.00001.
gnomAD v4.1: 7 of 1,598,634 alleles (0.00044%); highest among the groups gnomAD compares: Non-Finnish European, 0.0006%; no homozygotes.

Submission:

Labcorp Genetics (formerly Invitae), Labcorp
Classification: Uncertain significance. Last evaluated: 2022-01-31. Review status: criteria provided, single submitter. Criteria: Invitae Variant Classification Sherloc (09022015). Collection method: clinical testing. Allele origin: germline.
Comment: In summary, the available evidence is currently insufficient to determine the role of this variant in disease. Therefore, it has been classified as a Variant of Uncertain Significance. Algorithms developed to predict the effect of missense changes on protein structure and function (SIFT, PolyPhen-2, Align-GVGD) all suggest that this variant is likely to be tolerated. This variant has not been reported in the literature in individuals affected with SLC18A2-related conditions. This variant is present in population databases (no rsID available, gnomAD 0.001%). This sequence change replaces glutamic acid, which is acidic and polar, with lysine, which is basic and polar, at codon 5 of the SLC18A2 protein (p.Glu5Lys).

NM_003054.6(SLC18A2):c.13G>A (p.Glu5Lys)

Genes: SLC18A2 (solute carrier family 18 member A2; plus strand), SLC18A2-AS1 (SLC18A2 antisense RNA 1; minus strand). Cytogenetic location: 10q25.3.
Variant type: single nucleotide variant.
Coding change: c.13G>A on transcript NM_003054.6 (MANE Select); coding-DNA position 13, G replaced by A.
Protein change: p.Glu5Lys; replaces glutamic acid 5 with lysine.
Molecular consequence: missense variant.
Genome position (GRCh38, 1-based): chr10:117,241,706, G>A. VCF-style: chr10-117241706-G-A. GRCh37 (hg19) VCF-style: chr10-119001217-G-A.
Other names: short protein forms E5K.
Identifiers: ClinVar variation 1438268 (VCV001438268.6), dbSNP rs1319576360, ClinGen allele CA378507192.